The following is an entry in ClinVar:

ClinVar aggregate classification (germline): Uncertain significance (1 of 4 stars; one submission).

Conditions:
Hereditary cancer-predisposing syndrome. Also called: Tumor predisposition; Hereditary neoplastic syndrome; Hereditary Cancer Syndrome; Neoplastic Syndromes, Hereditary. Identifiers: Orphanet 140162, MedGen C0027672, MeSH D009386, MONDO:0015356.

Submission:

Ambry Genetics
Classification: Uncertain significance for Hereditary cancer-predisposing syndrome. Last evaluated: 2023-10-11. Review status: criteria provided, single submitter. Criteria: Ambry Variant Classification Scheme 2023. Collection method: clinical testing. Allele origin: germline.
Comment: The p.P396A variant (also known as c.1186C>G), located in coding exon 5 of the ALK gene, results from a C to G substitution at nucleotide position 1186. The proline at codon 396 is replaced by alanine, an amino acid with highly similar properties. This amino acid position is conserved. In addition, this alteration is predicted to be tolerated by in silico analysis. Since supporting evidence is limited at this time, the clinical significance of this alteration remains unclear.

NM_004304.5(ALK):c.1186C>G (p.Pro396Ala)

Gene: ALK (ALK receptor tyrosine kinase; minus strand). Cytogenetic location: 2p23.2.
Variant type: single nucleotide variant.
Coding change: c.1186C>G on transcript NM_004304.5 (MANE Select); coding-DNA position 1186, C replaced by G.
Protein change: p.Pro396Ala; replaces proline 396 with alanine.
Molecular consequence: missense variant.
Genome position (GRCh38, 1-based): chr2:29,383,828, G>C on the plus strand (C>G on the coding strand, the complement: ALK is on the minus strand). VCF-style: chr2-29383828-G-C. GRCh37 (hg19) VCF-style: chr2-29606694-G-C.
Other names: short protein forms P396A.
Identifiers: ClinVar variation 3223787 (VCV003223787.1), dbSNP rs1355870666, ClinGen allele CA346585417.